The following is an entry in ClinVar:

NM_178844.2:c.3109-67T>C

Gene: NLRC3 (NLR family CARD domain containing 3; minus strand). Cytogenetic location: 16p13.3.
Variant type: single nucleotide variant.
Identifiers: ClinVar variation 132885 (VCV000132885.2).

ClinVar aggregate classification (germline): not provided (0 of 4 stars; one submission).

Submission:

Human Evolutionary Genetics, Institut Pasteur
No classification provided. Review status: no classification provided. Collection method: not provided. Allele origin: germline.
ClinVar note: Converted during submission from untested to not provided.